The following is an entry in ClinVar:

ClinVar aggregate classification (germline): Likely pathogenic (1 of 4 stars; one submission).

Submission:

GeneDx
Classification: Likely pathogenic. Last evaluated: 2019-08-21. Review status: criteria provided, single submitter. Criteria: GeneDx Variant Classification (06012015). Collection method: clinical testing. Allele origin: germline. Affected: yes.
Comment: The c.75046delG likely pathogenic variant in the TTN gene has not been published as pathogenic or benign to our knowledge. This variant causes a shift in reading frame starting at codon aspartic acid 25016, changing it to a methionine, and creating a premature stop codon at position 20 of the new reading frame, denoted p.Asp25016MetfsX20. This variant is expected to result in either an abnormal, truncated protein product or loss of protein from this allele through nonsense-mediated mRNA decay. Other truncating TTN variants have been reported in approximately 3% of control alleles (Herman et al., 2012). However, c.75046delG is located in the A-band region of titin, where the majority of truncating pathogenic variants associated with DCM have been reported (Herman et al., 2012). Moreover, the c.75046delG variant has not been observed in large population cohorts (Lek et al., 2016). In summary, c.75046delG in the TTN gene is interpreted as a likely pathogenic variant.

NM_001267550.2(TTN):c.79969del (p.Asp26657fs)

Genes: TTN (titin; minus strand), TTN-AS1 (TTN antisense RNA 1; plus strand). Cytogenetic location: 2q31.2.
Variant type: Deletion.
Coding change: c.79969del on transcript NM_001267550.2 (MANE Select); coding-DNA position 79969, one base deleted (G; older notation c.79969delG).
Protein change: p.Asp26657fs; shifts the reading frame from aspartic acid 26657.
Molecular consequence: frameshift variant.
Genome position (GRCh38, 1-based): chr2:178,566,163, C deleted on the plus strand (G on the coding strand, the reverse complement: TTN is on the minus strand). VCF-style (leftmost placement, unchanged base first): chr2-178566162-TC-T. GRCh37 (hg19) VCF-style: chr2-179430889-TC-T.
Other names: c.75046delG (NM_001256850.1); c.75046del, p.Asp25016fs (NM_001256850.1); c.52774del, p.Asp17592fs (NM_003319.4); c.72265del, p.Asp24089fs (NM_133378.4); c.53149del, p.Asp17717fs (NM_133432.3); c.53350del, p.Asp17784fs (NM_133437.4); short protein forms D24089fs, D25016fs, D17784fs, D17592fs, D17717fs, D26657fs.
Identifiers: ClinVar variation 818022 (VCV000818022.1), dbSNP rs1575680127, ClinGen allele CA915942175.